The following is an entry in ClinVar:

NM_001145308.5(LRTOMT):c.399T>G (p.Ala133=)

Genes: ANAPC15 (anaphase promoting complex subunit 15; minus strand), LRTOMT (leucine rich transmembrane and O-methyltransferase domain containing; plus strand), TOMT (transmembrane O-methyltransferase; plus strand). Cytogenetic location: 11q13.4.
Variant type: single nucleotide variant.
Coding change: c.399T>G on transcript NM_001145308.5; coding-DNA position 399, T replaced by G.
Protein change: p.Ala133=; no amino-acid change (alanine 133 retained).
Molecular consequence: synonymous variant. On other transcripts: 3 prime UTR variant (3), non-coding transcript variant (1), intron variant (7).
Genome position (GRCh38, 1-based): chr11:72,107,963, T>G. VCF-style: chr11-72107963-T-G. GRCh37 (hg19) VCF-style: chr11-71819009-T-G.
Other names: c.300T>G, p.Ala100= (NM_001393500.2); c.399T>G, p.Ala133= (NM_001145309.4); c.279T>G, p.Ala93= (NM_001145310.4); c.*856A>C (NM_001393443.1, NM_001393444.1, NM_001393445.1); c.64-358A>C (NM_001393459.1); c.319-358A>C (NM_001393430.1, NM_001393429.1, NM_001393428.1 and 3 more transcripts).
Identifiers: ClinVar variation 3039904 (VCV003039904.2), dbSNP rs1372207779, ClinGen allele CA381720958.

ClinVar aggregate classification (germline): Likely benign (0 of 4 stars; one submission).

Conditions:
LRTOMT-related disorder. Also called: LRTOMT-related condition.

Allele frequency attached by ClinVar (database versions not stated): gnomAD 0.00001; TOPMed 0.00002; gnomAD exomes 0.00001.
gnomAD v4.1: 9 of 1,551,584 alleles (0.00058%); highest among the groups gnomAD compares: Non-Finnish European, 0.00078%; no homozygotes.

Submission:

PreventionGenetics, part of Exact Sciences
Classification: Likely benign for LRTOMT-related condition. Last evaluated: 2019-09-06. Review status: no assertion criteria provided. Collection method: clinical testing. Allele origin: germline.
Comment: This variant is classified as likely benign based on ACMG/AMP sequence variant interpretation guidelines (Richards et al. 2015 PMID: 25741868, with internal and published modifications).